The following is an entry in ClinVar:

ClinVar aggregate classification (germline): Uncertain significance (1 of 4 stars; one submission).

gnomAD v4.1: 1 of 1,205,717 alleles (0.000083%); highest among the groups gnomAD compares: Non-Finnish European, 0.00011%; no homozygotes.

Submission:

GeneDx
Classification: Uncertain significance. Last evaluated: 2024-12-23. Review status: criteria provided, single submitter. Criteria: GeneDx Variant Classification Process June 2021. Collection method: clinical testing. Allele origin: germline. Affected: yes.
Comment: Not observed at significant frequency in large population cohorts (gnomAD); In silico analysis supports that this missense variant has a deleterious effect on protein structure/function; Has not been previously published as pathogenic or benign to our knowledge

NM_001330360.2(POLA1):c.2879A>G (p.Asn960Ser)

Gene: POLA1 (DNA polymerase alpha 1, catalytic subunit; plus strand). Cytogenetic location: Xp22.11.
Variant type: single nucleotide variant.
Coding change: c.2879A>G on transcript NM_001330360.2 (MANE Select); coding-DNA position 2879, A replaced by G.
Protein change: p.Asn960Ser; replaces asparagine 960 with serine.
Molecular consequence: missense variant. On other transcripts: non-coding transcript variant (2).
Genome position (GRCh38, 1-based): chrX:24,748,907, A>G. VCF-style: chrX-24748907-A-G. GRCh37 (hg19) VCF-style: chrX-24767024-A-G.
Other names: c.2804A>G, p.Asn935Ser (NM_001378303.1); c.2861A>G, p.Asn954Ser (NM_016937.4); short protein forms N935S, N954S, N960S.
Identifiers: ClinVar variation 3906388 (VCV003906388.1).